The following is an entry in ClinVar:

NM_002860.4(ALDH18A1):c.1237G>A (p.Glu413Lys)

Gene: ALDH18A1 (aldehyde dehydrogenase 18 family member A1; minus strand). Cytogenetic location: 10q24.1.
Variant type: single nucleotide variant.
Coding change: c.1237G>A on transcript NM_002860.4 (MANE Select); coding-DNA position 1237, G replaced by A.
Protein change: p.Glu413Lys; replaces glutamic acid 413 with lysine.
Molecular consequence: missense variant.
Genome position (GRCh38, 1-based): chr10:95,625,371, C>T on the plus strand (G>A on the coding strand, the complement: ALDH18A1 is on the minus strand). VCF-style: chr10-95625371-C-T. GRCh37 (hg19) VCF-style: chr10-97385128-C-T.
Other names: c.1231G>A, p.Glu411Lys (NM_001017423.2, NM_001323415.2); c.904G>A, p.Glu302Lys (NM_001323412.2, NM_001323416.2); c.1237G>A, p.Glu413Lys (NM_001323413.2, NM_001323414.2); c.1132G>A, p.Glu378Lys (NM_001323417.2); c.898G>A, p.Glu300Lys (NM_001323418.2); c.601G>A, p.Glu201Lys (NM_001323419.2); short protein forms E378K, E411K, E201K, E300K, E302K, E413K.
Identifiers: ClinVar variation 647291 (VCV000647291.11), dbSNP rs147348068, ClinGen allele CA5620387.
Genomic context (GRCh38, chr10:95,625,371, plus strand): 5'-AAATAATGCACACCCCTCCACAACATTGACTTTAAATTGCCTGGTCTTTACCCTCTGCCT[C>T]CTCCAAGTCTTTTTTGTTGGCTAACAGGATCTCATCACGCTGGTCCGTCAACAGATCAGC-3'
Protein context (NP_002851.2, residues 403-423): ILLANKKDLE[Glu413Lys]AEGRLAAPLL

ClinVar aggregate classification (germline): Uncertain significance. Review status: criteria provided, multiple submitters, no conflicts (2 of 4 stars). 4 submissions from 4 submitters: Uncertain significance (4). Last evaluated 2026-01-28.

Conditions:
ALDH18A1-related disorder. Also called: ALDH18A1-related disorders.
de Barsy syndrome. Also called: Cutis laxa-corneal clouding-oligophrenia syndrome. Identifiers: Orphanet 2962, MedGen C0268354, MONDO:0017569.
Autosomal dominant spastic paraplegia type 9. Identifiers: MedGen C1832669, MONDO:0015091.
Cutis laxa, autosomal dominant 3 (ADCL3). Identifiers: Orphanet 90348, MedGen C4225268, MONDO:0014706, OMIM 616603.

Allele frequency attached by ClinVar (database versions not stated): gnomAD 0.00003; ExAC 0.00004; gnomAD exomes 0.00004; TOPMed 0.00008; ESP Exome Variant Server 0.00015; 1000 Genomes Project 0.00060; 1000 Genomes Project 30x 0.00078.
gnomAD v4.1: 48 of 1,614,090 alleles (0.003%); highest among the groups gnomAD compares: Middle Eastern, 0.033%; no homozygotes.

Submissions (4):

Labcorp Genetics (formerly Invitae), Labcorp
Classification: Uncertain significance for Autosomal dominant spastic paraplegia type 9; de Barsy syndrome; Cutis laxa, autosomal dominant 3. Last evaluated: 2026-01-28. Review status: criteria provided, single submitter. Criteria: Invitae Variant Classification Sherloc (09022015). Collection method: clinical testing. Allele origin: germline.
Comment: This sequence change replaces glutamic acid, which is acidic and polar, with lysine, which is basic and polar, at codon 413 of the ALDH18A1 protein (p.Glu413Lys). This variant is present in population databases (rs147348068, gnomAD 0.01%). This variant has not been reported in the literature in individuals affected with ALDH18A1-related conditions. ClinVar contains an entry for this variant (Variation ID: 647291). Invitae Evidence Modeling of protein sequence and biophysical properties (such as structural, functional, and spatial information, amino acid conservation, physicochemical variation, residue mobility, and thermodynamic stability) indicates that this missense variant is not expected to disrupt ALDH18A1 protein function with a negative predictive value of 80%. In summary, the available evidence is currently insufficient to determine the role of this variant in disease. Therefore, it has been classified as a Variant of Uncertain Significance.

PreventionGenetics, part of Exact Sciences
Classification: Uncertain significance for ALDH18A1-related condition. Last evaluated: 2025-04-07. Review status: criteria provided, single submitter. Criteria: ACMG Guidelines, 2015. Collection method: clinical testing. Allele origin: germline.
Comment: The ALDH18A1 c.1237G>A variant is predicted to result in the amino acid substitution p.Glu413Lys. To our knowledge, this variant has not been reported in the literature. This variant is reported in 0.012% of alleles in individuals of African descent in gnomAD. At this time, the clinical significance of this variant is uncertain due to the absence of conclusive functional and genetic evidence.

GeneDx
Classification: Uncertain significance. Last evaluated: 2024-03-13. Review status: criteria provided, single submitter. Criteria: GeneDx Variant Classification Process June 2021. Collection method: clinical testing. Allele origin: germline. Affected: yes.
Comment: Has not been previously published as pathogenic or benign to our knowledge; In silico analysis supports that this missense variant does not alter protein structure/function

Breakthrough Genomics
Classification: Uncertain significance. Review status: criteria provided, single submitter. Criteria: ACMG Guidelines, 2015. Collection method: not provided. Allele origin: germline. Inheritance: Autosomal recessive inheritance. Affected: yes.